The following is an entry in ClinVar:

NM_000166.6(GJB1):c.635T>G (p.Leu212Arg)

Gene: GJB1 (gap junction protein beta 1; plus strand). Cytogenetic location: Xq13.1.
Variant type: single nucleotide variant.
Coding change: c.635T>G on transcript NM_000166.6 (MANE Select); coding-DNA position 635, T replaced by G.
Protein change: p.Leu212Arg; replaces leucine 212 with arginine.
Molecular consequence: missense variant.
Genome position (GRCh38, 1-based): chrX:71,224,342, T>G. VCF-style: chrX-71224342-T-G. GRCh37 (hg19) VCF-style: chrX-70444192-T-G.
Other names: c.635T>G, p.Leu212Arg (NM_001097642.3); short protein forms L212R.
Identifiers: ClinVar variation 837766 (VCV000837766.11), dbSNP rs2092546062, ClinGen allele CA413503391.

ClinVar aggregate classification (germline): Uncertain significance (1 of 4 stars; one submission).

Conditions:
Charcot-Marie-Tooth Neuropathy X. Identifiers: MedGen CN118851.

Submission:

Labcorp Genetics (formerly Invitae), Labcorp
Classification: Uncertain significance for Charcot-Marie-Tooth Neuropathy X. Last evaluated: 2022-01-14. Review status: criteria provided, single submitter. Criteria: Invitae Variant Classification Sherloc (09022015). Collection method: clinical testing. Allele origin: germline.
Comment: In summary, the available evidence is currently insufficient to determine the role of this variant in disease. Therefore, it has been classified as a Variant of Uncertain Significance. This variant disrupts the p.Leu212 amino acid residue in GJB1. Other variant(s) that disrupt this residue have been determined to be pathogenic (PMID: 20039784). This suggests that this residue is clinically significant, and that variants that disrupt this residue are likely to be disease-causing. Algorithms developed to predict the effect of missense changes on protein structure and function (SIFT, PolyPhen-2, Align-GVGD) all suggest that this variant is likely to be disruptive. ClinVar contains an entry for this variant (Variation ID: 837766). This missense change has been observed in individual(s) with motor and sensory neuropathy (Invitae). This variant is not present in population databases (gnomAD no frequency). This sequence change replaces leucine, which is neutral and non-polar, with arginine, which is basic and polar, at codon 212 of the GJB1 protein (p.Leu212Arg).

Literature cited by the submitters: PubMed 20039784.